The following is an entry in ClinVar:

NM_015978.3(TNNI3K):c.500T>C (p.Phe167Ser)

Genes: FPGT-TNNI3K (FPGT-TNNI3K readthrough; plus strand), TNNI3K (TNNI3 interacting kinase; plus strand). Cytogenetic location: 1p31.1.
Variant type: single nucleotide variant.
Coding change: c.500T>C on transcript NM_015978.3 (MANE Select); coding-DNA position 500, T replaced by C.
Protein change: p.Phe167Ser; replaces phenylalanine 167 with serine.
Molecular consequence: missense variant.
Genome position (GRCh38, 1-based): chr1:74,331,505, T>C. VCF-style: chr1-74331505-T-C. GRCh37 (hg19) VCF-style: chr1-74797189-T-C.
Other names: c.803T>C, p.Phe268Ser (NM_001112808.3, NM_001199327.2); short protein forms F167S, F268S.
Identifiers: ClinVar variation 689593 (VCV000689593.6), dbSNP rs201917013, ClinGen allele CA908923.
Genomic context (GRCh38, chr1:74,331,505, plus strand): 5'-TCCAGGCTGCTGATGTGCTGTTGCAACATGGAGCTAATGTCAATATTCAAGATGCAGTTT[T>C]TTTCACTCCATTGCATATTGCAGCGTACTATGGACATGAACAGGTAAGTCTGACAGTAGG-3'
Protein context (NP_057062.1, residues 157-177): GANVNIQDAV[Phe167Ser]FTPLHIAAYY

ClinVar aggregate classification (germline): Uncertain significance. Review status: criteria provided, single submitter (1 of 4 stars). 2 submissions from 2 submitters: Uncertain significance (1). 1 of the submissions does not count toward it. Last evaluated 2025-12-08.

Conditions:
Primary dilated cardiomyopathy (DCM). Also called: Dilated Cardiomyopathy. Identifiers: Orphanet 217604, MedGen C0007193, MeSH D002311, MONDO:0005021, HP:0001644. Inheritance: Various modes of inheritance.

Allele frequency attached by ClinVar (database versions not stated): gnomAD exomes below 0.00001; ExAC 0.00001; TOPMed 0.00002; gnomAD 0.00003 and 0.00004.
gnomAD v4.1: 5 of 1,613,738 alleles (0.00031%); highest among the groups gnomAD compares: Non-Finnish European, 0.00042%; no homozygotes.

Submissions (2):

Labcorp Genetics (formerly Invitae), Labcorp
Classification: Uncertain significance. Last evaluated: 2025-12-08. Review status: criteria provided, single submitter. Criteria: Invitae Variant Classification Sherloc (09022015). Collection method: clinical testing. Allele origin: germline.
Comment: This sequence change replaces phenylalanine, which is neutral and non-polar, with serine, which is neutral and polar, at codon 167 of the TNNI3K protein (p.Phe167Ser). This variant is present in population databases (rs201917013, gnomAD 0.002%). This variant has not been reported in the literature in individuals affected with TNNI3K-related conditions. ClinVar contains an entry for this variant (Variation ID: 689593). Invitae Evidence Modeling of protein sequence and biophysical properties (such as structural, functional, and spatial information, amino acid conservation, physicochemical variation, residue mobility, and thermodynamic stability) indicates that this missense variant is not expected to disrupt TNNI3K protein function with a negative predictive value of 80%. In summary, the available evidence is currently insufficient to determine the role of this variant in disease. Therefore, it has been classified as a Variant of Uncertain Significance.

Institute of Human Genetics, University of Wuerzburg
Classification: Uncertain significance for Primary dilated cardiomyopathy. Review status: no assertion criteria provided. Collection method: clinical testing. Allele origin: unknown. Not counted in ClinVar's aggregate classification.